The following is an entry in ClinVar:

NM_015295.3(SMCHD1):c.758T>C (p.Ile253Thr)

Gene: SMCHD1 (structural maintenance of chromosomes flexible hinge domain containing 1; plus strand). Cytogenetic location: 18p11.32.
Variant type: single nucleotide variant.
Coding change: c.758T>C on transcript NM_015295.3 (MANE Select); coding-DNA position 758, T replaced by C.
Protein change: p.Ile253Thr; replaces isoleucine 253 with threonine.
Molecular consequence: missense variant.
Genome position (GRCh38, 1-based): chr18:2,688,632, T>C. VCF-style: chr18-2688632-T-C. GRCh37 (hg19) VCF-style: chr18-2688630-T-C.
Other names: short protein forms I253T.
Identifiers: ClinVar variation 373806 (VCV000373806.5), dbSNP rs1057518622, ClinGen allele CA16043148.

ClinVar aggregate classification (germline): Uncertain significance. Review status: criteria provided, multiple submitters, no conflicts (2 of 4 stars). 2 submissions from 2 submitters: Uncertain significance (2). Last evaluated 2021-12-23.

Conditions:
Facioscapulohumeral muscular dystrophy 2 (FSHD2). Also called: MUSCULAR DYSTROPHY, FACIOSCAPULOHUMERAL, TYPE 1B; FACIOSCAPULOHUMERAL MUSCULAR DYSTROPHY 2, DIGENIC; FSHD2, DIGENIC. Identifiers: Orphanet 269, MedGen C1834671, MONDO:0008031, OMIM 158901.

Allele frequency attached by ClinVar (database versions not stated): TOPMed below 0.00001; gnomAD 0.00001; gnomAD exomes 0.00001.
gnomAD v4.1: 18 of 1,558,712 alleles (0.0012%); highest among the groups gnomAD compares: Non-Finnish European, 0.0015%; no homozygotes.

Submissions (2):

Labcorp Genetics (formerly Invitae), Labcorp
Classification: Uncertain significance for Facioscapulohumeral muscular dystrophy 2. Last evaluated: 2021-12-23. Review status: criteria provided, single submitter. Criteria: Invitae Variant Classification Sherloc (09022015). Collection method: clinical testing. Allele origin: germline.
Comment: In summary, the available evidence is currently insufficient to determine the role of this variant in disease. Therefore, it has been classified as a Variant of Uncertain Significance. Algorithms developed to predict the effect of missense changes on protein structure and function (SIFT, PolyPhen-2, Align-GVGD) all suggest that this variant is likely to be disruptive. ClinVar contains an entry for this variant (Variation ID: 373806). This variant has not been reported in the literature in individuals affected with SMCHD1-related conditions. This variant is present in population databases (no rsID available, gnomAD 0.007%). This sequence change replaces isoleucine, which is neutral and non-polar, with threonine, which is neutral and polar, at codon 253 of the SMCHD1 protein (p.Ile253Thr).

GeneDx
Classification: Uncertain significance. Last evaluated: 2016-12-12. Review status: criteria provided, single submitter. Criteria: GeneDx Variant Classification (06012015). Collection method: clinical testing. Allele origin: germline. Affected: yes.
Comment: The I253T variant in the SMCHD1 gene has not been reported previously as a pathogenic variant, nor as a benign variant, to our knowledge. The I253T variant was not observed in approximately 5800 individuals of European and African American ancestry in the NHLBI Exome Sequencing Project, indicating it is not a common benign variant in these populations. The I253T variant is a non-conservative amino acid substitution, which is likely to impact secondary protein structure as these residues differ in polarity, charge, size and/or other properties. This substitution occurs at a position that is conserved across species, however, in silico analysis is inconsistent in its predictions as to whether or not the variant is damaging to the protein structure/function. We interpret I253T as a variant of uncertain significance.